The following is an entry in ClinVar:

NM_000444.6(PHEX):c.933+5G>C

Gene: PHEX (phosphate regulating endopeptidase X-linked; plus strand). Cytogenetic location: Xp22.11.
Variant type: single nucleotide variant.
Coding change: c.933+5G>C on transcript NM_000444.6 (MANE Select); 5 bases into the intron after coding-DNA position 933, G replaced by C.
Molecular consequence: intron variant.
Genome position (GRCh38, 1-based): chrX:22,097,043, G>C. VCF-style: chrX-22097043-G-C. GRCh37 (hg19) VCF-style: chrX-22115161-G-C.
Other names: c.933+5G>C (NM_001282754.2).
Identifiers: ClinVar variation 1981729 (VCV001981729.5), dbSNP rs1930172991, ClinGen allele CA1131577357.
Genomic context (GRCh38, chrX:22,097,043, plus strand): 5'-GCGAGGCCATGTACAACAAAATGAACATTTCTGAACTGAGTGCTATGATTCCCCAGGTTG[G>C]TGAAAACTATCCAGAAAACTTTCTCTCAACTCATCATTTTAGAAGGGATTGGATTTCATC-3'

ClinVar aggregate classification (germline): Uncertain significance. Review status: criteria provided, multiple submitters, no conflicts (2 of 4 stars). 2 submissions from 2 submitters: Uncertain significance (2). Last evaluated 2024-05-20.

Conditions:
Familial X-linked hypophosphatemic vitamin D refractory rickets (XLHRD). Also called: HYPOPHOSPHATEMIC VITAMIN D-RESISTANT RICKETS; X-Linked Hypophosphatemia; Hypophosphatemic Rickets, X-Linked Dominant; Hypophosphatemia, vitamin D-resistant rickets; Vitamin D-resistant rickets, X-linked. Identifiers: Orphanet 89936, MedGen C0733682, MONDO:0010619, OMIM 307800.

Allele frequency attached by ClinVar (database versions not stated): gnomAD 0.00002; TOPMed 0.00006.
gnomAD v4.1: 2 of 1,147,074 alleles (0.00017%); highest among the groups gnomAD compares: Admixed American, 0.0022%; no homozygotes.

Submissions (2):

Fulgent Genetics
Classification: Uncertain significance for Familial X-linked hypophosphatemic vitamin D refractory rickets. Last evaluated: 2024-05-20. Review status: criteria provided, single submitter. Criteria: ACMG Guidelines, 2015. Collection method: clinical testing. Allele origin: germline.

Labcorp Genetics (formerly Invitae), Labcorp
Classification: Uncertain significance. Last evaluated: 2024-01-23. Review status: criteria provided, single submitter. Criteria: Invitae Variant Classification Sherloc (09022015). Collection method: clinical testing. Allele origin: germline.
Comment: This sequence change falls in intron 8 of the PHEX gene. It does not directly change the encoded amino acid sequence of the PHEX protein. It affects a nucleotide within the consensus splice site. This variant is not present in population databases (gnomAD no frequency). This variant has not been reported in the literature in individuals affected with PHEX-related conditions. ClinVar contains an entry for this variant (Variation ID: 1981729). Variants that disrupt the consensus splice site are a relatively common cause of aberrant splicing (PMID: 17576681, 9536098). Algorithms developed to predict the effect of sequence changes on RNA splicing suggest that this variant may disrupt the consensus splice site. In summary, the available evidence is currently insufficient to determine the role of this variant in disease. Therefore, it has been classified as a Variant of Uncertain Significance.

Literature cited by the submitters: PubMed 17576681 (cited by Labcorp Genetics (formerly Invitae), Labcorp); PubMed 9536098 (cited by Labcorp Genetics (formerly Invitae), Labcorp).